The following is an entry in ClinVar:

NM_000334.4(SCN4A):c.915A>T (p.Thr305=)

Gene: SCN4A (sodium voltage-gated channel alpha subunit 4; minus strand). Cytogenetic location: 17q23.3.
Variant type: single nucleotide variant.
Coding change: c.915A>T on transcript NM_000334.4 (MANE Select); coding-DNA position 915, A replaced by T.
Protein change: p.Thr305=; no amino-acid change (threonine 305 retained).
Molecular consequence: synonymous variant.
Genome position (GRCh38, 1-based): chr17:63,968,144, T>A on the plus strand (A>T on the coding strand, the complement: SCN4A is on the minus strand). VCF-style: chr17-63968144-T-A. GRCh37 (hg19) VCF-style: chr17-62045504-T-A.
Identifiers: ClinVar variation 2832996 (VCV002832996.5), dbSNP rs199578875, ClinGen allele CA8710002.

ClinVar aggregate classification (germline): Likely benign. Review status: criteria provided, multiple submitters, no conflicts (2 of 4 stars). 3 submissions from 3 submitters: Likely benign (3). Last evaluated 2025-06-10.

Conditions:
Hyperkalemic periodic paralysis. Also called: Familial hyperkalemic periodic paralysis; Gamstorp disease. Identifiers: Orphanet 682, MedGen C0238357, MONDO:0008224, OMIM 170500, HP:0007215.

Allele frequency attached by ClinVar (database versions not stated): gnomAD 0.00001; ExAC 0.00002; TOPMed 0.00002.
gnomAD v4.1: 126 of 1,613,730 alleles (0.0078%); highest among the groups gnomAD compares: Non-Finnish European, 0.01%; no homozygotes.

Submissions (3):

Labcorp Genetics (formerly Invitae), Labcorp
Classification: Likely benign for Hyperkalemic periodic paralysis. Last evaluated: 2025-06-10. Review status: criteria provided, single submitter. Criteria: Invitae Variant Classification Sherloc (09022015). Collection method: clinical testing. Allele origin: germline.

Athena Diagnostics
Classification: Likely benign. Last evaluated: 2025-04-08. Review status: criteria provided, single submitter. Criteria: Athena Diagnostics Criteria. Collection method: clinical testing. Allele origin: unknown.
Comment: Computational tools yielded predictions that this variant is unlikely to have an effect on normal RNA splicing. This nucleotide position exhibits low evolutionary conservation.

Blueprint Genetics
Classification: Likely benign. Last evaluated: 2024-06-19. Review status: criteria provided, single submitter. Criteria: ACMG Guidelines, 2015. Collection method: clinical testing. Allele origin: germline.